The following is an entry in ClinVar:

ClinVar aggregate classification (germline): Uncertain significance (1 of 4 stars; one submission).

Conditions:
Luscan-Lumish syndrome. Identifiers: Orphanet 597738, MedGen C4085873, MONDO:0014791, OMIM 616831.

Submission:

Labcorp Genetics (formerly Invitae), Labcorp
Classification: Uncertain significance for Luscan-Lumish syndrome. Last evaluated: 2022-09-06. Review status: criteria provided, single submitter. Criteria: Invitae Variant Classification Sherloc (09022015). Collection method: clinical testing. Allele origin: germline.
Comment: In summary, the available evidence is currently insufficient to determine the role of this variant in disease. Therefore, it has been classified as a Variant of Uncertain Significance. Experimental studies and prediction algorithms are not available or were not evaluated, and the functional significance of this variant is currently unknown. This variant has not been reported in the literature in individuals affected with SETD2-related conditions. This variant results in a copy number gain of the genomic region encompassing exon(s) 1-18 of the SETD2 gene. This region includes the initiator codon of the gene. This copy number gain extends beyond the assayed region for this gene and therefore may encompass additional genes. As the precise location of this event is unknown, it may be in tandem or it may be located elsewhere in the genome.

NC_000003.11:g.(?_47079136)_(47454675_?)dup

Genes: KIF9 (kinesin family member 9; minus strand), KLHL18 (kelch like family member 18; plus strand), PTPN23 (protein tyrosine phosphatase non-receptor type 23; plus strand), SETD2 (SET domain containing 2, histone lysine methyltransferase; minus strand). Cytogenetic location: 3p21.31.
Variant type: Duplication.
Identifiers: ClinVar variation 2425908 (VCV002425908.4).